The following is an entry in ClinVar:

NM_001197104.2(KMT2A):c.6862T>C (p.Ser2288Pro)

Gene: KMT2A (lysine methyltransferase 2A; plus strand). Cytogenetic location: 11q23.3.
Variant type: single nucleotide variant.
Coding change: c.6862T>C on transcript NM_001197104.2 (MANE Select); coding-DNA position 6862, T replaced by C.
Protein change: p.Ser2288Pro; replaces serine 2288 with proline.
Molecular consequence: missense variant.
Genome position (GRCh38, 1-based): chr11:118,502,754, T>C. VCF-style: chr11-118502754-T-C. GRCh37 (hg19) VCF-style: chr11-118373469-T-C.
Other names: c.6952T>C, p.Ser2318Pro (NM_001412597.1); c.6853T>C, p.Ser2285Pro (NM_005933.4); short protein forms S2285P, S2288P, S2318P.
Identifiers: ClinVar variation 4885684 (VCV004885684.2).
Genomic context (GRCh38, chr11:118,502,754, plus strand): 5'-AATTTGCAAAGGACAGTGGTTACTGTAGGCAATAAAAACAGTCACTTGGATGGATCTTCA[T>C]CTTCAGAAATGAAGCAGTCCAGTGCTTCAGACTTGGTGTCCAAGAGCTCCTCTTTAAAGG-3'
Protein context (NP_001184033.1, residues 2278-2298): NKNSHLDGSS[Ser2288Pro]SEMKQSSASD

ClinVar aggregate classification (germline): Uncertain significance (1 of 4 stars; one submission).

Submission:

Dasa
Classification: Uncertain significance. Last evaluated: 2026-02-04. Review status: criteria provided, single submitter. Criteria: DASA Assertion Criteria. Collection method: clinical testing. Allele origin: germline.
Comment: NM_001197104.2(KMT2A):c.6862T>C (p.Ser2288Pro) is a missense variant that results in the substitution of serine with proline. This variant is rare in population databases. The currently available literature and clinical evidence are not sufficient to establish a definitive association between this variant and the reported condition. Therefore, this variant is classified as a variant of uncertain significance.